The following is an entry in ClinVar:

ClinVar aggregate classification (germline): Uncertain significance (1 of 4 stars; one submission).

Conditions:
PLXNA4-related disorder. Also called: PLXNA4-related condition.

Submission:

PreventionGenetics, part of Exact Sciences
Classification: Uncertain significance for PLXNA4-related condition. Last evaluated: 2025-06-21. Review status: criteria provided, single submitter. Criteria: ACMG Guidelines, 2015. Collection method: clinical testing. Allele origin: germline.
Comment: The PLXNA4 c.3871delG variant is predicted to result in a frameshift and premature protein termination (p.Glu1291Lysfs*13). To our knowledge, this variant has not been reported in the literature or in a large population database (gnomAD), indicating this variant is rare. Since the gene/disease associations are considered provisional at this time, the clinical significance of this variant is uncertain due to the absence of conclusive functional and genetic evidence.

NM_020911.2(PLXNA4):c.3871del (p.Glu1291fs)

Gene: PLXNA4 (plexin A4; minus strand). Cytogenetic location: 7q32.3.
Variant type: Deletion.
Coding change: c.3871del on transcript NM_020911.2 (MANE Select); coding-DNA position 3871, one base deleted (G; older notation c.3871delG).
Protein change: p.Glu1291fs; shifts the reading frame from glutamic acid 1291.
Molecular consequence: frameshift variant.
Genome position (GRCh38, 1-based): chr7:132,179,690, C deleted on the plus strand (G on the coding strand, the reverse complement: PLXNA4 is on the minus strand); the first of 2 consecutive C bases (chr7:132,179,690-132,179,691); deleting either gives the same sequence. VCF-style (leftmost placement, unchanged base first): chr7-132179689-TC-T. GRCh37 (hg19) VCF-style: chr7-131864448-TC-T.
Other names: c.3871del, p.Glu1291fs (NM_001393897.1); short protein forms E1291fs.
Identifiers: ClinVar variation 3349839 (VCV003349839.2).